The following is an entry in ClinVar:

NM_012293.3(PXDN):c.2353C>T (p.Arg785Ter)

Gene: PXDN (peroxidasin; minus strand). Cytogenetic location: 2p25.3.
Variant type: single nucleotide variant.
Coding change: c.2353C>T on transcript NM_012293.3 (MANE Select); coding-DNA position 2353, C replaced by T.
Protein change: p.Arg785Ter; replaces arginine 785 with a stop codon.
Molecular consequence: nonsense.
Genome position (GRCh38, 1-based): chr2:1,649,427, G>A on the plus strand (C>T on the coding strand, the complement: PXDN is on the minus strand). VCF-style: chr2-1649427-G-A. GRCh37 (hg19) VCF-style: chr2-1653199-G-A.
Other names: short protein forms R785*.
Identifiers: ClinVar variation 2156476 (VCV002156476.4), dbSNP rs1316655042, ClinGen allele CA345707832.

ClinVar aggregate classification (germline): Pathogenic (1 of 4 stars; one submission).

Conditions:
Anterior segment dysgenesis 7 (ASGD7). Also called: SCLEROCORNEA WITH OTHER OCULAR ANOMALIES; Anterior segment dysgenesis 7, with sclerocornea. Identifiers: Orphanet 289499, MedGen C3151617, MONDO:0010015, OMIM 269400.

Allele frequency attached by ClinVar (database versions not stated): gnomAD exomes below 0.00001.
gnomAD v4.1: 4 of 1,613,968 alleles (0.00025%); highest among the groups gnomAD compares: South Asian, 0.0011%; no homozygotes.

Submission:

Labcorp Genetics (formerly Invitae), Labcorp
Classification: Pathogenic for Anterior segment dysgenesis 7. Last evaluated: 2022-07-13. Review status: criteria provided, single submitter. Criteria: Invitae Variant Classification Sherloc (09022015). Collection method: clinical testing. Allele origin: germline.
Comment: This sequence change creates a premature translational stop signal (p.Arg785*) in the PXDN gene. It is expected to result in an absent or disrupted protein product. Loss-of-function variants in PXDN are known to be pathogenic (PMID: 21907015, 24939590). This variant is present in population databases (no rsID available, gnomAD 0.0009%). This premature translational stop signal has been observed in individual(s) with corneal opacification and other ocular anomalies (Invitae). For these reasons, this variant has been classified as Pathogenic.

Literature cited by the submitters: PubMed 21907015; PubMed 24939590.